The following is an entry in ClinVar:

ClinVar aggregate classification (germline): Uncertain significance (1 of 4 stars; one submission).

Conditions:
Jeune thoracic dystrophy. Also called: Jeune syndrome; Infantile thoracic dystrophy; Thoracic pelvic phalangeal dystrophy; Jeune's syndrome; Chondroectodermal dysplasia-like syndrome; Short-rib thoracic dysplasia. Identifiers: Orphanet 474, MedGen C0265275, MONDO:0018770.

gnomAD v4.1: 5 of 1,613,196 alleles (0.00031%); highest among the groups gnomAD compares: South Asian, 0.0022%; no homozygotes.

Submission:

Labcorp Genetics (formerly Invitae), Labcorp
Classification: Uncertain significance for Jeune thoracic dystrophy. Last evaluated: 2022-04-05. Review status: criteria provided, single submitter. Criteria: Invitae Variant Classification Sherloc (09022015). Collection method: clinical testing. Allele origin: germline.
Comment: This sequence change replaces arginine, which is basic and polar, with glutamine, which is neutral and polar, at codon 2325 of the DYNC2H1 protein (p.Arg2325Gln). This variant is not present in population databases (gnomAD no frequency). This variant has not been reported in the literature in individuals affected with DYNC2H1-related conditions. Advanced modeling of protein sequence and biophysical properties (such as structural, functional, and spatial information, amino acid conservation, physicochemical variation, residue mobility, and thermodynamic stability) performed at Invitae indicates that this missense variant is not expected to disrupt DYNC2H1 protein function. In summary, the available evidence is currently insufficient to determine the role of this variant in disease. Therefore, it has been classified as a Variant of Uncertain Significance.

NM_001377.3(DYNC2H1):c.6974G>A (p.Arg2325Gln)

Gene: DYNC2H1 (dynein cytoplasmic 2 heavy chain 1; plus strand). Cytogenetic location: 11q22.3.
Variant type: single nucleotide variant.
Coding change: c.6974G>A on transcript NM_001377.3 (MANE Select); coding-DNA position 6974, G replaced by A.
Protein change: p.Arg2325Gln; replaces arginine 2325 with glutamine.
Molecular consequence: missense variant.
Genome position (GRCh38, 1-based): chr11:103,187,420, G>A. VCF-style: chr11-103187420-G-A. GRCh37 (hg19) VCF-style: chr11-103058149-G-A.
Other names: c.6974G>A, p.Arg2325Gln (NM_001080463.2); short protein forms R2325Q.
Identifiers: ClinVar variation 2158788 (VCV002158788.1), dbSNP rs919791834, ClinGen allele CA382251666.
Genomic context (GRCh38, chr11:103,187,420, plus strand): 5'-TTTCACAACTCCGGTCCACTCAAATTGCTACAGTTCACTGTAGTGCACAAACCACTTCTC[G>A]ACATCTCCTGCAGAAACTGAGCCAGACTTGCATGGTAATCAGTACTAATACTGGTCGTGT-3'
Protein context (NP_001368.2, residues 2315-2335): TVHCSAQTTS[Arg2325Gln]HLLQKLSQTC